The following is an entry in ClinVar:

ClinVar aggregate classification (germline): Pathogenic/Likely pathogenic. Review status: criteria provided, multiple submitters, no conflicts (2 of 4 stars). 7 submissions from 7 submitters: Pathogenic (1); Likely pathogenic (3). 3 of the submissions do not count toward it. Last evaluated 2025-06-17.

Conditions:
Tooth agenesis, selective, 4 (STHAG4). Also called: LATERAL INCISORS, ABSENCE OF; LATERAL INCISORS, PEGGED OR MISSING; SUCCEDANEOUS TEETH, AGENESIS OF; TOOTH AGENESIS, SELECTIVE, 4, WITH OR WITHOUT ECTODERMAL DYSPLASIA. Identifiers: Orphanet 99798, MedGen C1835492, MONDO:0007881, OMIM 150400. Disease mechanism: loss of function.
Odonto-onycho-dermal dysplasia. Identifiers: Orphanet 2721, MedGen C0796093, MONDO:0009773, OMIM 257980.
Schöpf-Schulz-Passarge syndrome. Also called: SchC6pf-Schulz-Passarge syndrome; ECCRINE TUMORS WITH ECTODERMAL DYSPLASIA; KERATOSIS PALMOPLANTARIS WITH CYSTIC EYELIDS, HYPODONTIA, AND HYPOTRICHOSIS. Identifiers: Orphanet 50944, MedGen C1857069, MONDO:0009145, OMIM 224750.
WNT10A-related disorder. Also called: WNT10A-related disorders; WNT10A-related condition.

Allele frequency attached by ClinVar (database versions not stated): gnomAD 0.00001; gnomAD exomes 0.00001; TOPMed 0.00003.
gnomAD v4.1: 18 of 1,613,982 alleles (0.0011%); highest among the groups gnomAD compares: Admixed American, 0.0033%; no homozygotes.

Submissions (7):

Natera, Inc.
Classification: Likely pathogenic for Schopf-Schulz-Passarge syndrome. Last evaluated: 2025-06-17. Review status: criteria provided, single submitter. Criteria: Natera Variant Classification Schema (03/2026). Collection method: clinical testing. Allele origin: germline.
Comment: The c.283G>A variant in WNT10A is a missense variant predicted to cause substitution of glutamic acid to lysine at amino acid 95. This variant is rare in the general population with a frequency below the threshold expected for the associated phenotype(s). This variant has been observed in one or more individuals affected with the associated recessive disease, as either homozygous or compound heterozygous with a second variant (PMID: 23401279, 22581971). This variant has been identified in one or more affected individuals with a phenotype highly consistent with the associated gene (PMID: 23401279, 22581971). Computational prediction algorithms indicate this variant is likely to affect gene or protein function. Given the available evidence, this variant is classified as Likely Pathogenic.

GeneDx
Classification: Likely pathogenic. Last evaluated: 2025-04-07. Review status: criteria provided, single submitter. Criteria: GeneDx Variant Classification Process June 2021. Collection method: clinical testing. Allele origin: germline. Affected: yes.
Comment: In silico analysis supports that this missense variant has a deleterious effect on protein structure/function; Not observed at significant frequency in large population cohorts (gnomAD); This variant is associated with the following publications: (PMID: 23401279, 22581971, 37361548)

Labcorp Genetics (formerly Invitae), Labcorp
Classification: Pathogenic for Tooth agenesis, selective, 4; Odonto-onycho-dermal dysplasia. Last evaluated: 2024-11-27. Review status: criteria provided, single submitter. Criteria: Invitae Variant Classification Sherloc (09022015). Collection method: clinical testing. Allele origin: germline.
Comment: This sequence change replaces glutamic acid, which is acidic and polar, with lysine, which is basic and polar, at codon 95 of the WNT10A protein (p.Glu95Lys). This variant is present in population databases (rs318240759, gnomAD 0.003%). This missense change has been observed in individual(s) with autosomal recessive WNT10A-related conditions (PMID: 22581971, 23401279; internal data). In at least one individual the data is consistent with being in trans (on the opposite chromosome) from a pathogenic variant. ClinVar contains an entry for this variant (Variation ID: 68843). Invitae Evidence Modeling of protein sequence and biophysical properties (such as structural, functional, and spatial information, amino acid conservation, physicochemical variation, residue mobility, and thermodynamic stability) indicates that this missense variant is expected to disrupt WNT10A protein function with a positive predictive value of 80%. For these reasons, this variant has been classified as Pathogenic.

Blueprint Genetics
Classification: Likely pathogenic for WNT10A-related disorders. Last evaluated: 2021-03-26. Review status: criteria provided, single submitter. Criteria: ACMG Guidelines, 2015. Collection method: clinical testing. Allele origin: germline. Affected: yes. Observed: 2 variant alleles.

PreventionGenetics, part of Exact Sciences
Classification: Uncertain significance for WNT10A-related condition. Last evaluated: 2023-11-02. Review status: no assertion criteria provided. Collection method: clinical testing. Allele origin: germline. Not counted in ClinVar's aggregate classification.
Comment: The WNT10A c.283G>A variant is predicted to result in the amino acid substitution p.Glu95Lys. This variant has been reported in the compound heterozygous and homozygous states in individuals with isolated tooth agenesis or with clinical features of ectodermal dysplasia (Proband 8, van den Boogaard et al. 2012. PubMed ID: 22581971; Patient 11, Plaisancié et al. 2013. PubMed ID: 23401279). This variant is reported in 0.0029% of alleles in individuals of Latino descent in gnomAD. Although we suspect that this variant may be pathogenic, at this time, the clinical significance of this variant is uncertain due to the absence of conclusive functional and genetic evidence.

OMIM
Classification: Pathogenic for TOOTH AGENESIS, SELECTIVE, 4. Last evaluated: 2012-05-01. Review status: no assertion criteria provided. Collection method: literature only. Allele origin: germline. Not counted in ClinVar's aggregate classification.

UniProtKB/Swiss-Prot
No classification provided. Review status: no classification provided. Collection method: not provided. Allele origin: not provided. Not counted in ClinVar's aggregate classification.

Literature cited by the submitters: PubMed 23401279 (cited by Natera, Inc. and Labcorp Genetics (formerly Invitae), Labcorp); PubMed 22581971 (cited by 3 submitters).

NM_025216.3(WNT10A):c.283G>A (p.Glu95Lys)

Gene: WNT10A (Wnt family member 10A; plus strand). Cytogenetic location: 2q35.
Variant type: single nucleotide variant.
Coding change: c.283G>A on transcript NM_025216.3 (MANE Select); coding-DNA position 283, G replaced by A.
Protein change: p.Glu95Lys; replaces glutamic acid 95 with lysine.
Molecular consequence: missense variant.
Genome position (GRCh38, 1-based): chr2:218,882,330, G>A. VCF-style: chr2-218882330-G-A. GRCh37 (hg19) VCF-style: chr2-219747052-G-A.
Other names: G95K; short protein forms E95K.
Identifiers: ClinVar variation 68843 (VCV000068843.21), dbSNP rs318240759, ClinGen allele CA220083.